The following is an entry in ClinVar:

NM_002103.5(GYS1):c.1169+1G>C

Gene: GYS1 (glycogen synthase 1; minus strand). Cytogenetic location: 19q13.33.
Variant type: single nucleotide variant.
Coding change: c.1169+1G>C on transcript NM_002103.5 (MANE Select); the canonical splice donor site of the intron after coding-DNA position 1169, G replaced by C.
Molecular consequence: splice donor variant.
Genome position (GRCh38, 1-based): chr19:48,981,529, C>G on the plus strand (G>C on the coding strand, the complement: GYS1 is on the minus strand). VCF-style: chr19-48981529-C-G. GRCh37 (hg19) VCF-style: chr19-49484786-C-G.
Other names: c.977+1G>C (NM_001161587.2).
Identifiers: ClinVar variation 4719794 (VCV004719794.1).
Genomic context (GRCh38, chr19:48,981,529, plus strand): 5'-AGGACCCAAAGCATGCATCTGGGAGTGGGCTGCGCCAGGGGCCGGAGCGAGGGCTGCTAA[C>G]CAAAGCTGTTTGCGCACAGCTTGGCCTTTGAGGGTTTCCACGTTGAAATTGTTGGTCCGC-3'

ClinVar aggregate classification (germline): Likely pathogenic (1 of 4 stars; one submission).

Conditions:
Glycogen storage disease due to muscle and heart glycogen synthase deficiency. Also called: GSD 0b; MUSCLE GLYCOGEN SYNTHASE DEFICIENCY. Identifiers: Orphanet 137625, MedGen C1969054, MONDO:0012693, OMIM 611556.

Submission:

Labcorp Genetics (formerly Invitae), Labcorp
Classification: Likely pathogenic for Glycogen storage disease due to muscle and heart glycogen synthase deficiency. Last evaluated: 2025-05-24. Review status: criteria provided, single submitter. Criteria: Invitae Variant Classification Sherloc (09022015). Collection method: clinical testing. Allele origin: germline.
Comment: This sequence change affects a donor splice site in intron 8 of the GYS1 gene. It is expected to disrupt RNA splicing. Variants that disrupt the donor or acceptor splice site typically lead to a loss of protein function (PMID: 16199547), and loss-of-function variants in GYS1 are known to be pathogenic (PMID: 17928598, 19699667). This variant is not present in population databases (gnomAD no frequency). This variant has not been reported in the literature in individuals affected with GYS1-related conditions. Algorithms developed to predict the effect of sequence changes on RNA splicing suggest that this variant may disrupt the consensus splice site. In summary, the currently available evidence indicates that the variant is pathogenic, but additional data are needed to prove that conclusively. Therefore, this variant has been classified as Likely Pathogenic.

Literature cited by the submitters: PubMed 16199547; PubMed 17928598; PubMed 19699667.